The following is an entry in ClinVar:

ClinVar aggregate classification (germline): Pathogenic (1 of 4 stars; one submission).

Submission:

Labcorp Genetics (formerly Invitae), Labcorp
Classification: Pathogenic. Last evaluated: 2022-05-05. Review status: criteria provided, single submitter. Criteria: Invitae Variant Classification Sherloc (09022015). Collection method: clinical testing. Allele origin: germline.
Comment: For these reasons, this variant has been classified as Pathogenic. This variant is a gross deletion of the genomic region encompassing exon(s) 9-18 of the GFM1 gene, which includes the termination codon. This deletion extends beyond the assayed region for this gene and therefore may encompass additional genes. While this deletion is not anticipated to lead to nonsense mediated decay, it is expected to alter mRNA translation or result in a truncated protein product. This variant has not been reported in the literature in individuals affected with GFM1-related conditions. This variant disrupts a region of the GFM1 protein in which other variant(s) (p.Arg671Cys) have been determined to be pathogenic (PMID: 21986555, 22277967, 25852744, 31680380). This suggests that this is a clinically significant region of the protein, and that variants that disrupt it are likely to be disease-causing.

Literature cited by the submitters: PubMed 21986555; PubMed 22277967; PubMed 25852744; PubMed 31680380.

NC_000003.11:g.(?_158376701)_(158409266_?)del

Genes: GFM1 (G elongation factor mitochondrial 1; plus strand), LXN (latexin; minus strand). Cytogenetic location: 3q25.32.
Variant type: Deletion.
Identifiers: ClinVar variation 2426906 (VCV002426906.4).